The following is an entry in ClinVar:

ClinVar aggregate classification (germline): Likely benign (0 of 4 stars; one submission).

Conditions:
CDC42BPB-related disorder.

Allele frequency attached by ClinVar (database versions not stated): gnomAD exomes below 0.00001; ExAC 0.00001; gnomAD 0.00003; TOPMed 0.00005.
gnomAD v4.1: 8 of 1,613,850 alleles (0.0005%); highest among the groups gnomAD compares: Middle Eastern, 0.016%; no homozygotes.

Submission:

PreventionGenetics, part of Exact Sciences
Classification: Likely benign for CDC42BPB-related condition. Last evaluated: 2019-03-18. Review status: no assertion criteria provided. Collection method: clinical testing. Allele origin: germline.
Comment: This variant is classified as likely benign based on ACMG/AMP sequence variant interpretation guidelines (Richards et al. 2015 PMID: 25741868, with internal and published modifications).

NM_006035.4(CDC42BPB):c.4620C>T (p.Ser1540=)

Gene: CDC42BPB (CDC42 binding protein kinase beta; minus strand). Cytogenetic location: 14q32.32.
Variant type: single nucleotide variant.
Coding change: c.4620C>T on transcript NM_006035.4 (MANE Select); coding-DNA position 4620, C replaced by T.
Protein change: p.Ser1540=; no amino-acid change (serine 1540 retained).
Molecular consequence: synonymous variant.
Genome position (GRCh38, 1-based): chr14:102,939,919, G>A on the plus strand (C>T on the coding strand, the complement: CDC42BPB is on the minus strand). VCF-style: chr14-102939919-G-A. GRCh37 (hg19) VCF-style: chr14-103406256-G-A.
Other names: c.4542C>T, p.Ser1514= (NM_001411054.1).
Identifiers: ClinVar variation 3046295 (VCV003046295.2), dbSNP rs753922027, ClinGen allele CA7360354.